The following is an entry in ClinVar:

ClinVar aggregate classification (germline): Uncertain significance (1 of 4 stars; one submission).

Conditions:
CHARGE syndrome (CHARGE). Also called: Hittner Hirsch Kreh syndrome; CHARGE ASSOCIATION--COLOBOMA, HEART ANOMALY, CHOANAL ATRESIA, RETARDATION, GENITAL AND EAR ANOMALIES; Coloboma, heart anomaly, choanal atresia, retardation, genital and ear anomalies; CHARGE association; Hall-Hittner syndrome. Identifiers: Orphanet 138, MedGen C0265354, MONDO:0008965.

Submission:

Labcorp Genetics (formerly Invitae), Labcorp
Classification: Uncertain significance for CHARGE syndrome. Last evaluated: 2023-10-29. Review status: criteria provided, single submitter. Criteria: Invitae Variant Classification Sherloc (09022015). Collection method: clinical testing. Allele origin: germline.
Comment: This sequence change replaces phenylalanine, which is neutral and non-polar, with leucine, which is neutral and non-polar, at codon 1360 of the CHD7 protein (p.Phe1360Leu). This variant is not present in population databases (gnomAD no frequency). This variant has not been reported in the literature in individuals affected with CHD7-related conditions. Advanced modeling of protein sequence and biophysical properties (such as structural, functional, and spatial information, amino acid conservation, physicochemical variation, residue mobility, and thermodynamic stability) performed at Invitae indicates that this missense variant is expected to disrupt CHD7 protein function with a positive predictive value of 95%. In summary, the available evidence is currently insufficient to determine the role of this variant in disease. Therefore, it has been classified as a Variant of Uncertain Significance.

NM_017780.4(CHD7):c.4080T>G (p.Phe1360Leu)

Gene: CHD7 (chromodomain helicase DNA binding protein 7; plus strand). Cytogenetic location: 8q12.2.
Variant type: single nucleotide variant.
Coding change: c.4080T>G on transcript NM_017780.4 (MANE Select); coding-DNA position 4080, T replaced by G.
Protein change: p.Phe1360Leu; replaces phenylalanine 1360 with leucine.
Molecular consequence: missense variant. On other transcripts: intron variant (1).
Genome position (GRCh38, 1-based): chr8:60,836,907, T>G. VCF-style: chr8-60836907-T-G. GRCh37 (hg19) VCF-style: chr8-61749466-T-G.
Other names: c.1717-25322T>G (NM_001316690.1); short protein forms F1360L.
Identifiers: ClinVar variation 3020662 (VCV003020662.3), dbSNP rs2487903854, ClinGen allele CA371316765.
Genomic context (GRCh38, chr8:60,836,907, plus strand): 5'-AAGAGGCAACCTCCGCCAGGCAGCTATCGACAGATTCTCCAAACCTGATTCTGATAGGTT[T>G]GTTTTCCTCCTGTGTACAAGGGCAGGAGGTTTAGGCATTAACCTCACTGCTGCTGATACC-3'
Protein context (NP_060250.2, residues 1350-1370): DRFSKPDSDR[Phe1360Leu]VFLLCTRAGG